The following is an entry in ClinVar:

NM_001282225.2(ADA2):c.1111A>T (p.Ile371Phe)

Gene: ADA2 (adenosine deaminase 2; minus strand). Cytogenetic location: 22q11.1.
Variant type: single nucleotide variant.
Coding change: c.1111A>T on transcript NM_001282225.2 (MANE Select); coding-DNA position 1111, A replaced by T.
Protein change: p.Ile371Phe; replaces isoleucine 371 with phenylalanine.
Molecular consequence: missense variant.
Genome position (GRCh38, 1-based): chr22:17,182,732, T>A on the plus strand (A>T on the coding strand, the complement: ADA2 is on the minus strand). VCF-style: chr22-17182732-T-A. GRCh37 (hg19) VCF-style: chr22-17663622-T-A.
Other names: c.751A>T, p.Ile251Phe (NM_001282229.2); c.388A>T, p.Ile130Phe (NM_177405.3); c.1111A>T, p.Ile371Phe (NM_001282226.2); c.985A>T, p.Ile329Phe (NM_001282227.2, NM_001282228.2); short protein forms I371F, I130F, I251F, I329F.
Identifiers: ClinVar variation 1368933 (VCV001368933.6), dbSNP rs2061987911, ClinGen allele CA410232488.

ClinVar aggregate classification (germline): Uncertain significance (1 of 4 stars; one submission).

Conditions:
Deficiency of adenosine deaminase 2. Also called: VASCULITIS, AUTOINFLAMMATION, IMMUNODEFICIENCY, AND HEMATOLOGIC DEFECTS SYNDROME; Polyarteritis nodosa, childhoood-onset; Adenosine Deaminase 2 Deficiency. Identifiers: Orphanet 404553, MedGen C3887654, MONDO:0014306, OMIM 615688, MONDO:0100317.

Submission:

Labcorp Genetics (formerly Invitae), Labcorp
Classification: Uncertain significance for Deficiency of adenosine deaminase 2. Last evaluated: 2021-07-21. Review status: criteria provided, single submitter. Criteria: Invitae Variant Classification Sherloc (09022015). Collection method: clinical testing. Allele origin: germline.
Comment: In summary, the available evidence is currently insufficient to determine the role of this variant in disease. Therefore, it has been classified as a Variant of Uncertain Significance. Algorithms developed to predict the effect of missense changes on protein structure and function are either unavailable or do not agree on the potential impact of this missense change (SIFT: "Deleterious"; PolyPhen-2: "Possibly Damaging"; Align-GVGD: "Class C0"). This variant has not been reported in the literature in individuals affected with ADA2-related conditions. This variant is not present in population databases (ExAC no frequency). This sequence change replaces isoleucine with phenylalanine at codon 371 of the ADA2 protein (p.Ile371Phe). The isoleucine residue is weakly conserved and there is a small physicochemical difference between isoleucine and phenylalanine.